The following is an entry in ClinVar:

ClinVar aggregate classification (germline): Likely pathogenic (1 of 4 stars; one submission).

Conditions:
Dilated cardiomyopathy 1G (CMD1G). Identifiers: Orphanet 154, MedGen C1858763, MONDO:0011400, OMIM 604145.
Autosomal recessive limb-girdle muscular dystrophy type 2J (LGMDR10). Also called: Limb-girdle muscular dystrophy, type 2J; MUSCULAR DYSTROPHY, LIMB-GIRDLE, AUTOSOMAL RECESSIVE 10. Identifiers: Orphanet 140922, MedGen C1837342, MONDO:0012127, OMIM 608807.

Submission:

Labcorp Genetics (formerly Invitae), Labcorp
Classification: Likely pathogenic for Dilated cardiomyopathy 1G; Autosomal recessive limb-girdle muscular dystrophy type 2J. Last evaluated: 2022-08-16. Review status: criteria provided, single submitter. Criteria: Invitae Variant Classification Sherloc (09022015). Collection method: clinical testing. Allele origin: germline.
Comment: This sequence change creates a premature translational stop signal (p.His27108Leufs*15) in the TTN gene. While this is not anticipated to result in nonsense mediated decay, it is expected to create a truncated TTN protein. This variant is not present in population databases (gnomAD no frequency). In summary, the currently available evidence indicates that the variant is pathogenic, but additional data are needed to prove that conclusively. Therefore, this variant has been classified as Likely Pathogenic. This variant is located in the A band of TTN (PMID: 25589632). Truncating variants in this region are significantly overrepresented in patients affected with dilated cardiomyopathy (PMID: 25589632). Truncating variants in this region have also been reported in individuals affected with autosomal recessive centronuclear myopathy (PMID: 23975875). ClinVar contains an entry for this variant (Variation ID: 654895). This variant has not been reported in the literature in individuals affected with TTN-related conditions.

Literature cited by the submitters: PubMed 25589632; PubMed 23975875.

NM_001267550.2(TTN):c.81323del (p.His27108fs)

Genes: TTN (titin; minus strand), TTN-AS1 (TTN antisense RNA 1; plus strand). Cytogenetic location: 2q31.2.
Variant type: Deletion.
Coding change: c.81323del on transcript NM_001267550.2 (MANE Select); coding-DNA position 81323, one base deleted (A; older notation c.81323delA).
Protein change: p.His27108fs; shifts the reading frame from histidine 27108.
Molecular consequence: frameshift variant.
Genome position (GRCh38, 1-based): chr2:178,564,809, T deleted on the plus strand (A on the coding strand, the reverse complement: TTN is on the minus strand). VCF-style (leftmost placement, unchanged base first): chr2-178564808-AT-A. GRCh37 (hg19) VCF-style: chr2-179429535-AT-A.
Other names: c.81323delA (NM_001267550.2); c.76400del, p.His25467fs (NM_001256850.1); c.54128del, p.His18043fs (NM_003319.4); c.73619del, p.His24540fs (NM_133378.4); c.54503del, p.His18168fs (NM_133432.3); c.54704del, p.His18235fs (NM_133437.4); short protein forms H24540fs, H25467fs, H18235fs, H27108fs, H18043fs, H18168fs.
Identifiers: ClinVar variation 654895 (VCV000654895.9), dbSNP rs1575663530, ClinGen allele CA915942232.